The following is an entry in ClinVar:

ClinVar aggregate classification (germline): Pathogenic (0 of 4 stars; one submission).

Conditions:
Rhabdoid tumor predisposition syndrome 2 (RTPS2). Identifiers: Orphanet 231108, Orphanet 69077, MedGen C2750074, MONDO:0013224, OMIM 613325.

Submission:

Donald Williams Parsons Laboratory, Baylor College of Medicine
Classification: Pathogenic for Rhabdoid tumor predisposition syndrome 2. Last evaluated: 2014-04-28. Review status: no assertion criteria provided. Collection method: research. Allele origin: germline. Inheritance: Autosomal dominant inheritance. Affected: yes. Observed: 1 variant allele, 1 heterozygote. Study: CSER-BASIC3.
Comment: This frameshift variant is categorized as deleterious according to ACMG guidelines (PMID:18414213).

Literature cited by the submitters: PubMed 26822237.

NM_003072.5(SMARCA4):c.1155_1157del (p.Glu386del)

Gene: SMARCA4 (SWI/SNF related BAF chromatin remodeling complex subunit ATPase 4; plus strand). Cytogenetic location: 19p13.2.
Variant type: Deletion.
Coding change: c.1155_1157del on transcript NM_003072.5 (MANE Select); coding-DNA positions 1155 to 1157, 3 bases deleted (TGA; older notation c.1155_1157delTGA).
Protein change: p.Glu386del; deletes glutamic acid 386.
Molecular consequence: inframe deletion. On other transcripts: non-coding transcript variant (1).
Genome position (GRCh38, 1-based): chr19:10,989,353-10,989,355, TGA deleted. VCF-style (leftmost placement, unchanged base first): chr19-10989352-TTGA-T. GRCh37 (hg19) VCF-style: chr19-11100028-TTGA-T.
Other names: c.1155_1157del, p.Glu386del (NM_001128844.3, NM_001128845.2, NM_001128846.2 and 4 more transcripts); short protein forms E386del.
Identifiers: ClinVar variation 438797 (VCV000438797.2), dbSNP rs1555756326, ClinGen allele CA645509245.